The following is an entry in ClinVar:

ClinVar aggregate classification (germline): Benign/Likely benign. Review status: criteria provided, multiple submitters, no conflicts (2 of 4 stars). 6 submissions from 6 submitters: Benign (4); Likely benign (2). Last evaluated 2026-02-03.

Conditions:
Inborn genetic diseases. Identifiers: MedGen C0950123, MeSH D030342.
EPILEPSY, CHILDHOOD ABSENCE, SUSCEPTIBILITY TO, 2 (ECA2). Identifiers: Orphanet 64280, MedGen C1843244, OMIM 607681.
Febrile seizures, familial, 8 (FEB8). Also called: CONVULSIONS, FAMILIAL FEBRILE, 8. Identifiers: Orphanet 36387, MedGen C1969810, MONDO:0011891, OMIM 607681.

Allele frequency attached by ClinVar (database versions not stated): gnomAD exomes 0.00126 and 0.00048; ExAC 0.00156; gnomAD 0.00505 and 0.00541; ESP Exome Variant Server 0.00546; 1000 Genomes Project 0.00579; TOPMed 0.00596; 1000 Genomes Project 30x 0.00625.
gnomAD v4.1: 1,490 of 1,613,426 alleles (0.092%); highest among the groups gnomAD compares: African/African-American, 1.7%; 20 homozygotes.

Submissions (6):

Labcorp Genetics (formerly Invitae), Labcorp
Classification: Benign for Febrile seizures, familial, 8; EPILEPSY, CHILDHOOD ABSENCE, SUSCEPTIBILITY TO, 2. Last evaluated: 2026-02-03. Review status: criteria provided, single submitter. Criteria: Invitae Variant Classification Sherloc (09022015). Collection method: clinical testing. Allele origin: germline.

Athena Diagnostics
Classification: Benign. Last evaluated: 2024-12-23. Review status: criteria provided, single submitter. Criteria: Athena Diagnostics Criteria. Collection method: clinical testing. Allele origin: unknown.
Comment: The frequency of this variant in the general population is higher than would generally be expected for pathogenic variants in this gene.

Illumina Laboratory Services, Illumina
Classification: Likely benign for Febrile seizures, familial, 8. Last evaluated: 2018-01-13. Review status: criteria provided, single submitter. Criteria: ICSL Variant Classification Criteria 13 December 2019. Collection method: clinical testing. Allele origin: germline.
Comment: This variant was observed in the ICSL laboratory as part of a predisposition screen in an ostensibly healthy population. It had not been previously curated by ICSL or reported in the Human Gene Mutation Database (HGMD: prior to June 1st, 2018), and was therefore a candidate for classification through an automated scoring system. Utilizing variant allele frequency, disease prevalence and penetrance estimates, and inheritance mode, an automated score was calculated to assess if this variant is too frequent to cause the disease. Based on the score and internal cut-off values, a variant classified as likely benign is not then subjected to further curation. The score for this variant resulted in a classification of likely benign for this disease.

Ambry Genetics
Classification: Benign for Inborn genetic diseases. Last evaluated: 2016-04-26. Review status: criteria provided, single submitter. Criteria: Ambry Variant Classification Scheme 2023. Collection method: clinical testing. Allele origin: germline.

GeneDx
Classification: Benign. Last evaluated: 2013-02-12. Review status: criteria provided, single submitter. Criteria: GeneDx Variant Classification (06012015). Collection method: clinical testing. Allele origin: germline. Affected: yes.
Comment: This variant is considered likely benign or benign based on one or more of the following criteria: it is a conservative change, it occurs at a poorly conserved position in the protein, it is predicted to be benign by multiple in silico algorithms, and/or has population frequency not consistent with disease.

Breakthrough Genomics
Classification: Likely benign. Review status: criteria provided, single submitter. Criteria: ACMG Guidelines, 2015. Collection method: not provided. Allele origin: germline. Inheritance: Autosomal dominant inheritance. Affected: yes.

NM_198904.4(GABRG2):c.360G>A (p.Thr120=)

Gene: GABRG2 (gamma-aminobutyric acid type A receptor subunit gamma2; plus strand). Cytogenetic location: 5q34.
Variant type: single nucleotide variant.
Coding change: c.360G>A on transcript NM_198904.4 (MANE Select); coding-DNA position 360, G replaced by A.
Protein change: p.Thr120=; no amino-acid change (threonine 120 retained).
Molecular consequence: synonymous variant. On other transcripts: intron variant (2).
Genome position (GRCh38, 1-based): chr5:162,097,670, G>A. VCF-style: chr5-162097670-G-A. GRCh37 (hg19) VCF-style: chr5-161524676-G-A.
Other names: p.T120T:ACG>ACA; c.360G>A, p.Thr120= (NM_000816.3, NM_001375340.1, NM_001375341.1 and 4 more transcripts); c.351G>A, p.Thr117= (NM_001375339.1); c.294G>A, p.Thr98= (NM_001375345.1, NM_001375346.1); c.273G>A, p.Thr91= (NM_001375347.1); c.75G>A, p.Thr25= (NM_001375349.1); c.-31-30G>A (NM_001375350.1, NM_001375348.1).
Identifiers: ClinVar variation 137421 (VCV000137421.23), dbSNP rs77298346, ClinGen allele CA290990.